The following is an entry in ClinVar:

NM_000744.7(CHRNA4):c.552C>G (p.Tyr184Ter)

Gene: CHRNA4 (cholinergic receptor nicotinic alpha 4 subunit; minus strand). Cytogenetic location: 20q13.33.
Variant type: single nucleotide variant.
Coding change: c.552C>G on transcript NM_000744.7 (MANE Select); coding-DNA position 552, C replaced by G.
Protein change: p.Tyr184Ter; replaces tyrosine 184 with a stop codon.
Molecular consequence: nonsense. On other transcripts: non-coding transcript variant (1).
Genome position (GRCh38, 1-based): chr20:63,350,859, G>C on the plus strand (C>G on the coding strand, the complement: CHRNA4 is on the minus strand). VCF-style: chr20-63350859-G-C. GRCh37 (hg19) VCF-style: chr20-61982211-G-C.
Other names: c.24C>G, p.Tyr8Ter (NM_001256573.2); short protein forms Y184*, Y8*.
Identifiers: ClinVar variation 1010281 (VCV001010281.9), dbSNP rs112301452, ClinGen allele CA409637987.

ClinVar aggregate classification (germline): Uncertain significance (1 of 4 stars; one submission).

Conditions:
Familial sleep-related hypermotor epilepsy. Also called: Autosomal Dominant Sleep-Related Hypermotor (Hyperkinetic) Epilepsy. Identifiers: Orphanet 98784, MedGen C3696898, MONDO:0000030.

Submission:

Labcorp Genetics (formerly Invitae), Labcorp
Classification: Uncertain significance. Last evaluated: 2020-08-20. Review status: criteria provided, single submitter. Criteria: Invitae Variant Classification Sherloc (09022015). Collection method: clinical testing. Allele origin: germline.
Comment: This variant is not present in population databases (ExAC no frequency). This sequence change creates a premature translational stop signal (p.Tyr184*) in the CHRNA4 gene. It is expected to result in an absent or disrupted protein product. In summary, the available evidence is currently insufficient to determine the role of this variant in disease. Therefore, it has been classified as a Variant of Uncertain Significance. The current clinical and genetic evidence is not sufficient to establish whether loss-of-function variants in CHRNA4 cause disease. Algorithms developed to predict the effect of sequence changes on RNA splicing suggest that this variant may create or strengthen a splice site, but this prediction has not been confirmed by published transcriptional studies. This variant has not been reported in the literature in individuals with CHRNA4-related conditions.